The following is an entry in ClinVar:

ClinVar aggregate classification (germline): Uncertain significance (1 of 4 stars; one submission).

Conditions:
CHARGE syndrome (CHARGE). Also called: Hittner Hirsch Kreh syndrome; CHARGE ASSOCIATION--COLOBOMA, HEART ANOMALY, CHOANAL ATRESIA, RETARDATION, GENITAL AND EAR ANOMALIES; Coloboma, heart anomaly, choanal atresia, retardation, genital and ear anomalies; CHARGE association; Hall-Hittner syndrome. Identifiers: Orphanet 138, MedGen C0265354, MONDO:0008965.

Submission:

Labcorp Genetics (formerly Invitae), Labcorp
Classification: Uncertain significance for CHARGE syndrome. Last evaluated: 2022-12-03. Review status: criteria provided, single submitter. Criteria: Invitae Variant Classification Sherloc (09022015). Collection method: clinical testing. Allele origin: germline.
Comment: Advanced modeling of protein sequence and biophysical properties (such as structural, functional, and spatial information, amino acid conservation, physicochemical variation, residue mobility, and thermodynamic stability) has been performed at Invitae for this missense variant, however the output from this modeling did not meet the statistical confidence thresholds required to predict the impact of this variant on CHD7 protein function. In summary, the available evidence is currently insufficient to determine the role of this variant in disease. Therefore, it has been classified as a Variant of Uncertain Significance. ClinVar contains an entry for this variant (Variation ID: 1719488). This variant has not been reported in the literature in individuals affected with CHD7-related conditions. This variant is not present in population databases (gnomAD no frequency). This sequence change replaces leucine, which is neutral and non-polar, with methionine, which is neutral and non-polar, at codon 1818 of the CHD7 protein (p.Leu1818Met).

NM_017780.4(CHD7):c.5452C>A (p.Leu1818Met)

Gene: CHD7 (chromodomain helicase DNA binding protein 7; plus strand). Cytogenetic location: 8q12.2.
Variant type: single nucleotide variant.
Coding change: c.5452C>A on transcript NM_017780.4 (MANE Select); coding-DNA position 5452, C replaced by A.
Protein change: p.Leu1818Met; replaces leucine 1818 with methionine.
Molecular consequence: missense variant. On other transcripts: intron variant (1).
Genome position (GRCh38, 1-based): chr8:60,850,540, C>A. VCF-style: chr8-60850540-C-A. GRCh37 (hg19) VCF-style: chr8-61763099-C-A.
Other names: c.1717-11689C>A (NM_001316690.1); short protein forms L1818M.
Identifiers: ClinVar variation 1719488 (VCV001719488.5), dbSNP rs2488015323, ClinGen allele CA371321609.
Genomic context (GRCh38, chr8:60,850,540, plus strand): 5'-GGGCACGGCACAGGCTATGAGAAGTACAACTCCATGCGAGCTGACCCCGCGCTGTGCTTT[C>A]TGGAACGAGTCGGTATGCCTGATGCCAAGGCCATAGCTGCCGAGCAAAGAGGAACAGACA-3'
Protein context (NP_060250.2, residues 1808-1828): SMRADPALCF[Leu1818Met]ERVGMPDAKA